The following is an entry in ClinVar:

ClinVar aggregate classification (germline): Conflicting classifications of pathogenicity. Review status: criteria provided, conflicting classifications (1 of 4 stars). 2 submissions from 2 submitters: Uncertain significance (1); Benign (1). Last evaluated 2023-01-01.

Conditions:
Hereditary spastic paraplegia 30. Identifiers: Orphanet 101010, MedGen C5235139, MONDO:0012476.

Allele frequency attached by ClinVar (database versions not stated): 1000 Genomes Project 0.00399; gnomAD 0.00442 and 0.00473; TOPMed 0.00467; 1000 Genomes Project 30x 0.00375.

Submissions (2):

CeGaT Center for Human Genetics Tuebingen
Classification: Benign. Last evaluated: 2023-01-01. Review status: criteria provided, single submitter. Criteria: CeGaT Center For Human Genetics Tuebingen Variant Classification Criteria Version 2. Collection method: clinical testing. Allele origin: germline. Affected: yes. Observed: 1 variant allele.
Comment: KIF1A: BS1, BS2

Illumina Laboratory Services, Illumina
Classification: Uncertain significance for Spastic paraplegia 30A, autosomal dominant. Last evaluated: 2018-01-13. Review status: criteria provided, single submitter. Criteria: ICSL Variant Classification Criteria 13 December 2019. Collection method: clinical testing. Allele origin: germline.

NM_001244008.2(KIF1A):c.*1241G>T

Gene: KIF1A (kinesin family member 1A; minus strand). Cytogenetic location: 2q37.3.
Variant type: single nucleotide variant.
Coding change: c.*1241G>T on transcript NM_001244008.2 (MANE Select); 1241 bases downstream of the stop codon, G replaced by T.
Molecular consequence: 3 prime UTR variant.
Genome position (GRCh38, 1-based): chr2:240,716,123, C>A on the plus strand (G>T on the coding strand, the complement: KIF1A is on the minus strand). VCF-style: chr2-240716123-C-A. GRCh37 (hg19) VCF-style: chr2-241655540-C-A.
Other names: c.*1241G>T (NM_001320705.2, NM_001330289.2, NM_001330290.2 and 20 more transcripts).
Identifiers: ClinVar variation 899022 (VCV000899022.28), dbSNP rs114566813, ClinGen allele CA68129590.
Genomic context (GRCh38, chr2:240,716,123, plus strand): 5'-ACATTGGTGTCTGCAGAGGGGGTGAAATGGGACAAGAACAAAGGGACACCGCAGATGCAG[C>A]AGCGAAGAGCTCCTTGAAGACAATAACCACCAAGCCAGCCACCCTCCATTGCCGACCGAC-3'